The following is an entry in ClinVar:

ClinVar aggregate classification (germline): Pathogenic (1 of 4 stars; one submission).

Conditions:
Early-infantile DEE. Also called: Ohtahara syndrome; Early infantile epileptic encephalopathy with suppression bursts; Early infantile epileptic encephalopathy. Identifiers: Orphanet 1934, MedGen C0393706, MONDO:0800491.

Submission:

Labcorp Genetics (formerly Invitae), Labcorp
Classification: Pathogenic for Early-infantile DEE. Last evaluated: 2022-08-09. Review status: criteria provided, single submitter. Criteria: Invitae Variant Classification Sherloc (09022015). Collection method: clinical testing. Allele origin: germline.
Comment: This sequence change creates a premature translational stop signal (p.Asn781Leufs*11) in the SCN1A gene. It is expected to result in an absent or disrupted protein product. Loss-of-function variants in SCN1A are known to be pathogenic (PMID: 17347258, 18930999). For these reasons, this variant has been classified as Pathogenic. Algorithms developed to predict the effect of sequence changes on RNA splicing suggest that this variant may disrupt the consensus splice site. ClinVar contains an entry for this variant (Variation ID: 1073570). This variant has not been reported in the literature in individuals affected with SCN1A-related conditions. This variant is not present in population databases (gnomAD no frequency).

Literature cited by the submitters: PubMed 17347258; PubMed 18930999.

NM_001165963.4(SCN1A):c.2341_2344del (p.Asn781fs)

Gene: SCN1A (sodium voltage-gated channel alpha subunit 1; minus strand). Cytogenetic location: 2q24.3.
Variant type: Deletion.
Coding change: c.2341_2344del on transcript NM_001165963.4 (MANE Select); coding-DNA positions 2341 to 2344, 4 bases deleted (AATA; older notation c.2341_2344delAATA).
Protein change: p.Asn781fs; shifts the reading frame from asparagine 781.
Molecular consequence: frameshift variant. On other transcripts: 5 prime UTR variant (1), non-coding transcript variant (1).
Genome position (GRCh38, 1-based): chr2:166,041,302-166,041,305, TATT deleted on the plus strand (AATA on the coding strand, the reverse complement: SCN1A is on the minus strand); deleting any 4 consecutive bases within chr2:166,041,302-166,041,307 gives the same sequence; the c. name uses the placement nearest the transcript's 3' end. VCF-style (leftmost placement, unchanged base first): chr2-166041301-GTATT-G. GRCh37 (hg19) VCF-style: chr2-166897811-GTATT-G.
Other names: c.2257_2260del, p.Asn753fs (NM_001165964.3, NM_001353957.2, NM_001353958.2); c.2341_2344del, p.Asn781fs (NM_001202435.3, NM_001353948.2); c.2308_2311del, p.Asn770fs (NM_001353949.2, NM_001353950.2, NM_001353951.2 and 2 more transcripts); c.2305_2308del, p.Asn769fs (NM_001353954.2, NM_001353955.2); c.2254_2257del, p.Asn752fs (NM_001353960.2); c.-118_-115del (NM_001353961.2); short protein forms N752fs, N753fs, N769fs, N770fs, N781fs.
Identifiers: ClinVar variation 1073570 (VCV001073570.8), dbSNP rs2105827941, ClinGen allele CA2499215198.
Genomic context (GRCh38, chr2:166,041,301, plus strand): 5'-ACTGTAAGCACATTATTGAAATGGTCCGTCATTGGATAGTGCTCCATGGCCATGAAAAGA[GTATT>G]TAAGACAATACAGATGGTGATGGCCAGGTCAACAAATGGGTCCATCACAACCAGGTTGAC-3'